The following is an entry in ClinVar:

ClinVar aggregate classification (germline): Uncertain significance. Review status: criteria provided, multiple submitters, no conflicts (2 of 4 stars). 2 submissions from 2 submitters: Uncertain significance (2). Last evaluated 2025-02-10.

Conditions:
Inborn genetic diseases. Identifiers: MedGen C0950123, MeSH D030342.

Allele frequency attached by ClinVar (database versions not stated): gnomAD exomes 0.00010; ExAC 0.00014; TOPMed 0.00004; gnomAD 0.00008.
gnomAD v4.1: 156 of 1,607,646 alleles (0.0097%); highest among the groups gnomAD compares: Non-Finnish European, 0.0064%; no homozygotes.

Submissions (2):

Labcorp Genetics (formerly Invitae), Labcorp
Classification: Uncertain significance. Last evaluated: 2025-02-10. Review status: criteria provided, single submitter. Criteria: Invitae Variant Classification Sherloc (09022015). Collection method: clinical testing. Allele origin: germline.
Comment: This sequence change replaces alanine, which is neutral and non-polar, with threonine, which is neutral and polar, at codon 1896 of the DCHS1 protein (p.Ala1896Thr). This variant is present in population databases (rs750096302, gnomAD 0.1%). This missense change has been observed in individual(s) with mitral valve prolapse (PMID: 26258302). ClinVar contains an entry for this variant (Variation ID: 2311663). Invitae Evidence Modeling of protein sequence and biophysical properties (such as structural, functional, and spatial information, amino acid conservation, physicochemical variation, residue mobility, and thermodynamic stability) indicates that this missense variant is not expected to disrupt DCHS1 protein function with a negative predictive value of 80%. In summary, the available evidence is currently insufficient to determine the role of this variant in disease. Therefore, it has been classified as a Variant of Uncertain Significance.

Ambry Genetics
Classification: Uncertain significance for Inborn genetic diseases. Last evaluated: 2022-11-02. Review status: criteria provided, single submitter. Criteria: Ambry Variant Classification Scheme 2023. Collection method: clinical testing. Allele origin: germline.

Literature cited by the submitters: PubMed 26258302 (cited by Labcorp Genetics (formerly Invitae), Labcorp).

NM_003737.4(DCHS1):c.5686G>A (p.Ala1896Thr)

Gene: DCHS1 (dachsous cadherin-related 1; minus strand). Cytogenetic location: 11p15.4.
Variant type: single nucleotide variant.
Coding change: c.5686G>A on transcript NM_003737.4 (MANE Select); coding-DNA position 5686, G replaced by A.
Protein change: p.Ala1896Thr; replaces alanine 1896 with threonine.
Molecular consequence: missense variant.
Genome position (GRCh38, 1-based): chr11:6,627,353, C>T on the plus strand (G>A on the coding strand, the complement: DCHS1 is on the minus strand). VCF-style: chr11-6627353-C-T. GRCh37 (hg19) VCF-style: chr11-6648584-C-T.
Other names: short protein forms A1896T.
Identifiers: ClinVar variation 2311663 (VCV002311663.5), dbSNP rs750096302, ClinGen allele CA5860045.
Genomic context (GRCh38, chr11:6,627,353, plus strand): 5'-CTGCAGCTGTGCGCAGTTCTCCAGAGCTGGGCTCCAGCAGGAAGGCTCCTGCTGTACCGG[C>T]GCCCAGGTAGTAGGTCACATGGCCATTAGCTCCAGCATCAGGGTCATGAGCCTGTAGCTG-3'
Protein context (NP_003728.1, residues 1886-1906): ANGHVTYYLG[Ala1896Thr]GTAGAFLLEP